The following is an entry in ClinVar:

ClinVar aggregate classification (germline): Benign/Likely benign. Review status: criteria provided, multiple submitters, no conflicts (2 of 4 stars). 2 submissions from 2 submitters: Benign (1); Likely benign (1). Last evaluated 2026-01-03.

Conditions:
Melanoma, cutaneous malignant, susceptibility to, 3. Also called: Cutaneous malignant melanoma 3. Identifiers: Orphanet 618, MedGen C1836892, MONDO:0012183, OMIM 609048.
Hereditary cancer-predisposing syndrome. Also called: Hereditary neoplastic syndrome; Tumor predisposition; Neoplastic Syndromes, Hereditary; Hereditary Cancer Syndrome. Identifiers: Orphanet 140162, MedGen C0027672, MeSH D009386, MONDO:0015356.

Submissions (2):

Ambry Genetics
Classification: Likely benign for Hereditary cancer-predisposing syndrome. Last evaluated: 2026-01-03. Review status: criteria provided, single submitter. Criteria: Ambry Variant Classification Scheme 2023. Collection method: clinical testing. Allele origin: germline.

Myriad Genetics, Inc.
Classification: Benign for Melanoma, cutaneous malignant, susceptibility to, 3. Last evaluated: 2024-09-25. Review status: criteria provided, single submitter. Criteria: Myriad Autosomal Dominant, Autosomal Recessive and X-Linked Classification Criteria (2023). Collection method: clinical testing. Allele origin: unknown.
Comment: This variant is considered benign. This variant is a silent/synonymous amino acid change and it is not expected to impact splicing.

NM_000075.4(CDK4):c.303G>A (p.Arg101=)

Gene: CDK4 (cyclin dependent kinase 4; minus strand). Cytogenetic location: 12q14.1.
Variant type: single nucleotide variant.
Coding change: c.303G>A on transcript NM_000075.4 (MANE Select); coding-DNA position 303, G replaced by A.
Protein change: p.Arg101=; no amino-acid change (arginine 101 retained).
Molecular consequence: synonymous variant.
Genome position (GRCh38, 1-based): chr12:57,751,258, C>T on the plus strand (G>A on the coding strand, the complement: CDK4 is on the minus strand). VCF-style: chr12-57751258-C-T. GRCh37 (hg19) VCF-style: chr12-58145041-C-T.
Other names: c.303G>A (NM_000075.3).
Identifiers: ClinVar variation 3378572 (VCV003378572.2).